The following is an entry in ClinVar:

NM_001927.4(DES):c.854C>T (p.Ala285Val)

Gene: DES (desmin; plus strand). Cytogenetic location: 2q35.
Variant type: single nucleotide variant.
Coding change: c.854C>T on transcript NM_001927.4 (MANE Select); coding-DNA position 854, C replaced by T.
Protein change: p.Ala285Val; replaces alanine 285 with valine.
Molecular consequence: missense variant.
Genome position (GRCh38, 1-based): chr2:219,420,613, C>T. VCF-style: chr2-219420613-C-T. GRCh37 (hg19) VCF-style: chr2-220285335-C-T.
Other names: short protein forms A285V.
Identifiers: ClinVar variation 915758 (VCV000915758.10), dbSNP rs1368507241, ClinGen allele CA350691558.

ClinVar aggregate classification (germline): Likely pathogenic. Review status: criteria provided, multiple submitters, no conflicts (2 of 4 stars). 3 submissions from 3 submitters: Likely pathogenic (2). 1 of the submissions does not count toward it. Last evaluated 2025-07-30.

Conditions:
Desmin-related myofibrillar myopathy (MFM1). Also called: MYOFIBRILLAR MYOPATHY WITH ARRHYTHMOGENIC RIGHT VENTRICULAR CARDIOMYOPATHY; DESMIN-RELATED MYOPATHY WITH ARRHYTHMOGENIC RIGHT VENTRICULAR CARDIOMYOPATHY; Myofibrillar myopathy 1; Desminopathy; Desmin related myopathy (former name); Desmin storage myopathy (former name). Identifiers: Orphanet 363543, Orphanet 98909, MedGen C1832370, MONDO:0011076, OMIM 601419.
Cardiomyopathy (CMYO). Also called: Cardiomyopathies. Identifiers: Orphanet 167848, MedGen C0878544, MONDO:0004994, HP:0001638. Inheritance: Various modes of inheritance.

Allele frequency attached by ClinVar (database versions not stated): gnomAD exomes below 0.00001; gnomAD 0.00001; TOPMed 0.00002.
gnomAD v4.1: 4 of 1,613,880 alleles (0.00025%); highest among the groups gnomAD compares: African/African-American, 0.0013%; no homozygotes.

Submissions (3):

Labcorp Genetics (formerly Invitae), Labcorp
Classification: Likely pathogenic for Desmin-related myofibrillar myopathy. Last evaluated: 2025-07-30. Review status: criteria provided, single submitter. Criteria: Invitae Variant Classification Sherloc (09022015). Collection method: clinical testing. Allele origin: germline.
Comment: This sequence change replaces alanine, which is neutral and non-polar, with valine, which is neutral and non-polar, at codon 285 of the DES protein (p.Ala285Val). This variant is not present in population databases (gnomAD no frequency). This missense change has been observed in individuals with autosomal dominant dilated cardiomyopathy (PMID: 23300193, 37652022; internal data). ClinVar contains an entry for this variant (Variation ID: 915758). Invitae Evidence Modeling of protein sequence and biophysical properties (such as structural, functional, and spatial information, amino acid conservation, physicochemical variation, residue mobility, and thermodynamic stability) has been performed for this missense variant. However, the output from this modeling did not meet the statistical confidence thresholds required to predict the impact of this variant on DES protein function. Experimental studies have shown that this missense change affects DES function (PMID: 23300193, 31371504). In summary, the currently available evidence indicates that the variant is pathogenic, but additional data are needed to prove that conclusively. Therefore, this variant has been classified as Likely Pathogenic.

GeneDx
Classification: Likely pathogenic. Last evaluated: 2024-05-15. Review status: criteria provided, single submitter. Criteria: GeneDx Variant Classification Process June 2021. Collection method: clinical testing. Allele origin: germline. Affected: yes.
Comment: Published functional studies demonstrate the A285V variant causes protein aggregation and a loss of the organized filament network in HEK293 cells and in cardiomyocytes derived from induced-pluripotent stem cells (iPSCs) (PMID: 23300193); Not observed at significant frequency in large population cohorts (gnomAD); In silico analysis supports that this missense variant has a deleterious effect on protein structure/function; This variant is associated with the following publications: (PMID: 26807690, 31371504, 23300193, 37652022)

CHEO Genetics Diagnostic Laboratory, Children's Hospital of Eastern Ontario
Classification: Uncertain significance for Cardiomyopathy. Last evaluated: 2018-01-02. Review status: flagged submission. Criteria: ACMG Guidelines, 2015. Collection method: clinical testing. Allele origin: germline. Not counted in ClinVar's aggregate classification.
ClinVar note: Reason: Older claim that does not account for recent evidence

Literature cited by the submitters: PubMed 23300193 (cited by Labcorp Genetics (formerly Invitae), Labcorp); PubMed 37652022 (cited by Labcorp Genetics (formerly Invitae), Labcorp); PubMed 31371504 (cited by Labcorp Genetics (formerly Invitae), Labcorp).